The following is an entry in ClinVar:

ClinVar aggregate classification (germline): Uncertain significance (1 of 4 stars; one submission).

Submission:

Labcorp Genetics (formerly Invitae), Labcorp
Classification: Uncertain significance. Last evaluated: 2023-02-24. Review status: criteria provided, single submitter. Criteria: Invitae Variant Classification Sherloc (09022015). Collection method: clinical testing. Allele origin: germline.
Comment: In summary, the available evidence is currently insufficient to determine the role of this variant in disease. Therefore, it has been classified as a Variant of Uncertain Significance. Advanced modeling of protein sequence and biophysical properties (such as structural, functional, and spatial information, amino acid conservation, physicochemical variation, residue mobility, and thermodynamic stability) has been performed at Invitae for this missense variant, however the output from this modeling did not meet the statistical confidence thresholds required to predict the impact of this variant on ZBTB20 protein function. This variant has not been reported in the literature in individuals affected with ZBTB20-related conditions. This variant is not present in population databases (gnomAD no frequency). This sequence change replaces methionine, which is neutral and non-polar, with valine, which is neutral and non-polar, at codon 158 of the ZBTB20 protein (p.Met158Val).

NM_001348800.3(ZBTB20):c.472A>G (p.Met158Val)

Gene: ZBTB20 (zinc finger and BTB domain containing 20; minus strand). Cytogenetic location: 3q13.31.
Variant type: single nucleotide variant.
Coding change: c.472A>G on transcript NM_001348800.3 (MANE Select); coding-DNA position 472, A replaced by G.
Protein change: p.Met158Val; replaces methionine 158 with valine.
Molecular consequence: missense variant.
Genome position (GRCh38, 1-based): chr3:114,351,606, T>C on the plus strand (A>G on the coding strand, the complement: ZBTB20 is on the minus strand). VCF-style: chr3-114351606-T-C. GRCh37 (hg19) VCF-style: chr3-114070453-T-C.
Other names: c.253A>G, p.Met85Val (NM_001348804.3, NM_001348805.3, NM_001393395.1 and 9 more transcripts); c.472A>G, p.Met158Val (NM_001393393.1, NM_001393394.1, NM_001164342.2 and 1 more transcripts); short protein forms M85V, M158V.
Identifiers: ClinVar variation 2837919 (VCV002837919.3), dbSNP rs1051130929, ClinGen allele CA354016834.
Genomic context (GRCh38, chr3:114,351,606, plus strand): 5'-TGGCGGCCGTGAGGATCTGCAGAGCTTCCGACTGCGAGACCCGTAGCACGCCGCTGTACA[T>C]GAAGTCAATGAGCTTTTGCACTGACTGCACTGACACCACCGACGGGATCTCGATGTCGCT-3'
Protein context (NP_001335729.1, residues 148-168): VQSVQKLIDF[Met158Val]YSGVLRVSQS